The following is an entry in ClinVar:

NM_006859.4(LIAS):c.425G>A (p.Arg142Lys)

Gene: LIAS (lipoic acid synthetase; plus strand). Cytogenetic location: 4p14.
Variant type: single nucleotide variant.
Coding change: c.425G>A on transcript NM_006859.4 (MANE Select); coding-DNA position 425, G replaced by A.
Protein change: p.Arg142Lys; replaces arginine 142 with lysine.
Molecular consequence: missense variant. On other transcripts: intron variant (1).
Genome position (GRCh38, 1-based): chr4:39,465,077, G>A. VCF-style: chr4-39465077-G-A. GRCh37 (hg19) VCF-style: chr4-39466697-G-A.
Other names: c.425G>A, p.Arg142Lys (NM_001278590.2, NM_194451.3); c.299+1472G>A (NM_001363700.2); short protein forms R142K.
Identifiers: ClinVar variation 1419552 (VCV001419552.8), dbSNP rs760870251, ClinGen allele CA356664403.

ClinVar aggregate classification (germline): Uncertain significance (1 of 4 stars; one submission).

Conditions:
Lipoic acid synthetase deficiency. Also called: HYPERGLYCINEMIA, LACTIC ACIDOSIS, AND SEIZURES. Identifiers: Orphanet 401859, MedGen C3280887, MONDO:0013762, OMIM 614462.

Allele frequency attached by ClinVar (database versions not stated): gnomAD 0.00001; TOPMed 0.00001.
gnomAD v4.1: 5 of 1,613,998 alleles (0.00031%); no homozygotes.

Submission:

Labcorp Genetics (formerly Invitae), Labcorp
Classification: Uncertain significance for Lipoic acid synthetase deficiency. Last evaluated: 2020-11-03. Review status: criteria provided, single submitter. Criteria: Invitae Variant Classification Sherloc (09022015). Collection method: clinical testing. Allele origin: germline.
Comment: In summary, the available evidence is currently insufficient to determine the role of this variant in disease. Therefore, it has been classified as a Variant of Uncertain Significance. Algorithms developed to predict the effect of missense changes on protein structure and function are either unavailable or do not agree on the potential impact of this missense change (SIFT: "Tolerated"; PolyPhen-2: "Possibly Damaging"; Align-GVGD: "Class C0"). This variant has not been reported in the literature in individuals with LIAS-related conditions. This variant is not present in population databases (ExAC no frequency). This sequence change replaces arginine with lysine at codon 142 of the LIAS protein (p.Arg142Lys). The arginine residue is highly conserved and there is a small physicochemical difference between arginine and lysine.